The following is an entry in ClinVar:

ClinVar aggregate classification (germline): Uncertain significance (1 of 4 stars; one submission).

Conditions:
NKX2-5-related disorder. Also called: NKX2-5-related condition.

gnomAD v4.1: 7 of 1,536,096 alleles (0.00046%); highest among the groups gnomAD compares: East Asian, 0.0049%; no homozygotes.

Submission:

PreventionGenetics, part of Exact Sciences
Classification: Uncertain significance for NKX2-5-related condition. Last evaluated: 2026-02-17. Review status: criteria provided, single submitter. Criteria: ACMG Guidelines, 2015. Collection method: clinical testing. Allele origin: germline.
Comment: The NKX2-5 c.381C>A variant is predicted to result in the amino acid substitution p.Ser127Arg. To our knowledge, this variant has not been reported in the literature. This variant is reported in 0.019% of alleles in individuals of East Asian descent in gnomAD. At this time, the clinical significance of this variant is uncertain due to the absence of conclusive functional and genetic evidence.

NM_004387.4(NKX2-5):c.335-209C>A

Gene: NKX2-5 (NK2 homeobox 5; minus strand). Cytogenetic location: 5q35.1.
Variant type: single nucleotide variant.
Coding change: c.335-209C>A on transcript NM_004387.4 (MANE Select); 209 bases into the intron before coding-DNA position 335, C replaced by A.
Molecular consequence: intron variant. On other transcripts: 3 prime UTR variant (1), missense variant (1).
Genome position (GRCh38, 1-based): chr5:173,233,418, G>T on the plus strand (C>A on the coding strand, the complement: NKX2-5 is on the minus strand). VCF-style: chr5-173233418-G-T. GRCh37 (hg19) VCF-style: chr5-172660421-G-T.
Other names: c.*79C>A (NM_001166175.2); c.381C>A, p.Ser127Arg (NM_001166176.2); short protein forms S127R.
Identifiers: ClinVar variation 4989199 (VCV004989199.1).